The following is an entry in ClinVar:

ClinVar aggregate classification (germline): Uncertain significance. Review status: criteria provided, multiple submitters, no conflicts (2 of 4 stars). 5 submissions from 5 submitters: Uncertain significance (5). Last evaluated 2025-05-23.

Conditions:
Basal cell carcinoma, susceptibility to, 1. Also called: BCC1. Identifiers: MedGen C2751544, MONDO:0011556, OMIM 605462.
Medulloblastoma (MDB). Also called: Medulloblastoma, somatic; MEDULLOBLASTOMA PREDISPOSITION SYNDROME. Identifiers: Orphanet 616, MedGen C0025149, MeSH D008527, MONDO:0007959, OMIM 155255, HP:0002885.
Hereditary cancer-predisposing syndrome. Also called: Neoplastic Syndromes, Hereditary; Hereditary neoplastic syndrome; Hereditary Cancer Syndrome; Tumor predisposition. Identifiers: Orphanet 140162, MedGen C0027672, MeSH D009386, MONDO:0015356.
Gorlin syndrome. Also called: Basal cell nevus syndrome; Nevoid Basal Cell Carcinoma Syndrome. Identifiers: Orphanet 377, MedGen C0004779, MONDO:0007187.

Submissions (5):

Labcorp Genetics (formerly Invitae), Labcorp
Classification: Uncertain significance for Gorlin syndrome. Last evaluated: 2025-05-23. Review status: criteria provided, single submitter. Criteria: Invitae Variant Classification Sherloc (09022015). Collection method: clinical testing. Allele origin: germline.
Comment: This sequence change creates a premature translational stop signal (p.Arg397Valfs*15) in the PTCH2 gene. It is expected to result in an absent or disrupted protein product. However, the current clinical and genetic evidence is not sufficient to establish whether loss-of-function variants in PTCH2 cause disease. This variant is present in population databases (rs778199787, gnomAD 0.009%). This variant has not been reported in the literature in individuals affected with PTCH2-related conditions. ClinVar contains an entry for this variant (Variation ID: 596587). In summary, the available evidence is currently insufficient to determine the role of this variant in disease. Therefore, it has been classified as a Variant of Uncertain Significance.

Fulgent Genetics
Classification: Uncertain significance for Medulloblastoma; Basal cell carcinoma, susceptibility to, 1. Last evaluated: 2024-02-07. Review status: criteria provided, single submitter. Criteria: ACMG Guidelines, 2015. Collection method: clinical testing. Allele origin: germline.

Institute for Genomic Medicine (IGM) Clinical Laboratory, Nationwide Children's Hospital
Classification: Uncertain significance for Hereditary cancer-predisposing syndrome. Last evaluated: 2024-01-18. Review status: criteria provided, single submitter. Criteria: ACMG Guidelines, 2015. Collection method: clinical testing. Allele origin: germline.
Comment: This variant does not meet any ACMG/AMP criteria for pathogenicity or benignity. In accordance with ACMG/AMP guidelines, this variant is classified as a variant of uncertain significance.

Eurofins Ntd Llc (ga)
Classification: Uncertain significance. Last evaluated: 2018-03-23. Review status: criteria provided, single submitter. Criteria: EGL ClinVar v180209 classification definitions. Collection method: clinical testing. Allele origin: germline.

Breakthrough Genomics
Classification: Uncertain significance. Review status: criteria provided, single submitter. Criteria: ACMG Guidelines, 2015. Collection method: not provided. Allele origin: germline. Inheritance: Autosomal recessive inheritance. Affected: yes.

NM_003738.5(PTCH2):c.1189del (p.Arg397fs)

Gene: PTCH2 (patched 2; minus strand). Cytogenetic location: 1p34.1.
Variant type: Deletion.
Coding change: c.1189del on transcript NM_003738.5 (MANE Select); coding-DNA position 1189, one base deleted (C; older notation c.1189delC).
Protein change: p.Arg397fs; shifts the reading frame from arginine 397.
Molecular consequence: frameshift variant.
Genome position (GRCh38, 1-based): chr1:44,829,428, G deleted on the plus strand (C on the coding strand, the reverse complement: PTCH2 is on the minus strand); the first of 3 consecutive G bases (chr1:44,829,428-44,829,430); deleting any one gives the same sequence. VCF-style (leftmost placement, unchanged base first): chr1-44829427-CG-C. GRCh37 (hg19) VCF-style: chr1-45295099-CG-C.
Other names: c.1189del, p.Arg397fs (NM_001166292.2); short protein forms R397fs.
Identifiers: ClinVar variation 596587 (VCV000596587.13), dbSNP rs778199787, ClinGen allele CA823400.